The following is an entry in ClinVar:

ClinVar aggregate classification (germline): Uncertain significance (1 of 4 stars; one submission).

Allele frequency attached by ClinVar (database versions not stated): ExAC 0.00001; gnomAD exomes 0.00001.
gnomAD v4.1: 3 of 1,614,014 alleles (0.00019%); highest among the groups gnomAD compares: Non-Finnish European, 0.00025%; no homozygotes.

Submission:

Labcorp Genetics (formerly Invitae), Labcorp
Classification: Uncertain significance. Last evaluated: 2022-10-23. Review status: criteria provided, single submitter. Criteria: Invitae Variant Classification Sherloc (09022015). Collection method: clinical testing. Allele origin: germline.
Comment: This sequence change replaces valine, which is neutral and non-polar, with methionine, which is neutral and non-polar, at codon 304 of the MICAL1 protein (p.Val304Met). This variant is present in population databases (rs775760431, gnomAD 0.002%). This variant has not been reported in the literature in individuals affected with MICAL1-related conditions. Algorithms developed to predict the effect of missense changes on protein structure and function are either unavailable or do not agree on the potential impact of this missense change (SIFT: "Deleterious"; PolyPhen-2: "Probably Damaging"; Align-GVGD: "Class C0"). In summary, the available evidence is currently insufficient to determine the role of this variant in disease. Therefore, it has been classified as a Variant of Uncertain Significance.

NM_022765.4(MICAL1):c.853G>A (p.Val285Met)

Gene: MICAL1 (microtubule associated monooxygenase, calponin and LIM domain containing 1; minus strand). Cytogenetic location: 6q21.
Variant type: single nucleotide variant.
Coding change: c.853G>A on transcript NM_022765.4 (MANE Select); coding-DNA position 853, G replaced by A.
Protein change: p.Val285Met; replaces valine 285 with methionine.
Molecular consequence: missense variant.
Genome position (GRCh38, 1-based): chr6:109,451,680, C>T on the plus strand (G>A on the coding strand, the complement: MICAL1 is on the minus strand). VCF-style: chr6-109451680-C-T. GRCh37 (hg19) VCF-style: chr6-109772883-C-T.
Other names: c.853G>A, p.Val285Met (NM_001159291.2); c.910G>A, p.Val304Met (NM_001286613.2); short protein forms V285M, V304M.
Identifiers: ClinVar variation 1975376 (VCV001975376.5), dbSNP rs775760431, ClinGen allele CA3953581.